The following is an entry in ClinVar:

ClinVar aggregate classification (germline): Likely benign (1 of 4 stars; one submission).

gnomAD v4.1: 1 of 1,518,312 alleles (0.000066%); highest among the groups gnomAD compares: Non-Finnish European, 0.000091%; no homozygotes.

Submission:

CeGaT Center for Human Genetics Tuebingen
Classification: Likely benign. Last evaluated: 2023-02-01. Review status: criteria provided, single submitter. Criteria: CeGaT Center For Human Genetics Tuebingen Variant Classification Criteria Version 2. Collection method: clinical testing. Allele origin: germline. Affected: yes. Observed: 1 variant allele.
Comment: NPM1: PM2:Supporting, BP4, BP7

NM_002520.7(NPM1):c.672A>G (p.Gly224=)

Gene: NPM1 (nucleophosmin 1; plus strand). Cytogenetic location: 5q35.1.
Variant type: single nucleotide variant.
Coding change: c.672A>G on transcript NM_002520.7 (MANE Select); coding-DNA position 672, A replaced by G.
Protein change: p.Gly224=; no amino-acid change (glycine 224 retained).
Molecular consequence: synonymous variant. On other transcripts: non-coding transcript variant (1).
Genome position (GRCh38, 1-based): chr5:171,405,304, A>G. VCF-style: chr5-171405304-A-G. GRCh37 (hg19) VCF-style: chr5-170832308-A-G.
Other names: c.672A>G, p.Gly224= (NM_001037738.3, NM_001355006.2); c.480A>G, p.Gly160= (NM_001355007.2); c.585A>G, p.Gly195= (NM_001355009.2, NM_199185.4); c.291A>G, p.Gly97= (NM_001355010.2).
Identifiers: ClinVar variation 2656075 (VCV002656075.24), dbSNP rs1157017798, ClinGen allele CA447811448.
Genomic context (GRCh38, chr5:171,405,304, plus strand): 5'-TTTTAATTAGGAATTGTATTTATTCTTATGACCTTTTGGAAATTCATTTCTTTTTCAGGG[A>G]CAAGAATCCTTCAAGAAACAGGAAAAAACTCCTAAAACACCAAAAGGACCTAGTTCTGTA-3'
Protein context (NP_002511.1, residues 214-234): SKPSSTPRSK[Gly224=]QESFKKQEKT